The following is an entry in ClinVar:

NM_001127198.5(TMC6):c.1742G>C (p.Arg581Thr)

Gene: TMC6 (transmembrane channel like 6; minus strand). Cytogenetic location: 17q25.3.
Variant type: single nucleotide variant.
Coding change: c.1742G>C on transcript NM_001127198.5 (MANE Select); coding-DNA position 1742, G replaced by C.
Protein change: p.Arg581Thr; replaces arginine 581 with threonine.
Molecular consequence: missense variant. On other transcripts: non-coding transcript variant (4).
Genome position (GRCh38, 1-based): chr17:78,119,366, C>G on the plus strand (G>C on the coding strand, the complement: TMC6 is on the minus strand). VCF-style: chr17-78119366-C-G. GRCh37 (hg19) VCF-style: chr17-76115447-C-G.
Other names: c.1742G>C, p.Arg581Thr (NM_001321185.1, NM_001374596.1, NM_001375353.1 and 2 more transcripts); c.1562G>C, p.Arg521Thr (NM_001374593.1, NM_001374594.1); short protein forms R521T, R581T.
Identifiers: ClinVar variation 1382596 (VCV001382596.8), dbSNP rs764555364, ClinGen allele CA8795583.

ClinVar aggregate classification (germline): Uncertain significance (1 of 4 stars; one submission).

Conditions:
Epidermodysplasia verruciformis. Identifiers: Orphanet 302, MedGen C0014522, MONDO:0009176.

Allele frequency attached by ClinVar (database versions not stated): TOPMed below 0.00001; ExAC 0.00001; gnomAD exomes 0.00001 and 0.00003.

Submission:

Labcorp Genetics (formerly Invitae), Labcorp
Classification: Uncertain significance for Epidermodysplasia verruciformis. Last evaluated: 2022-02-10. Review status: criteria provided, single submitter. Criteria: Invitae Variant Classification Sherloc (09022015). Collection method: clinical testing. Allele origin: germline.
Comment: This variant has not been reported in the literature in individuals affected with TMC6-related conditions. This variant is present in population databases (rs764555364, gnomAD 0.04%). This sequence change replaces arginine, which is basic and polar, with threonine, which is neutral and polar, at codon 581 of the TMC6 protein (p.Arg581Thr). Algorithms developed to predict the effect of missense changes on protein structure and function are either unavailable or do not agree on the potential impact of this missense change (SIFT: "Not Available"; PolyPhen-2: "Benign"; Align-GVGD: "Not Available"). In summary, the available evidence is currently insufficient to determine the role of this variant in disease. Therefore, it has been classified as a Variant of Uncertain Significance.